The following is an entry in ClinVar:

NM_000275.3(OCA2):c.1948C>T (p.Leu650Phe)

Gene: OCA2 (OCA2 melanosomal transmembrane protein; minus strand). Cytogenetic location: 15q13.1.
Variant type: single nucleotide variant.
Coding change: c.1948C>T on transcript NM_000275.3 (MANE Select); coding-DNA position 1948, C replaced by T.
Protein change: p.Leu650Phe; replaces leucine 650 with phenylalanine.
Molecular consequence: missense variant.
Genome position (GRCh38, 1-based): chr15:27,951,787, G>A on the plus strand (C>T on the coding strand, the complement: OCA2 is on the minus strand). VCF-style: chr15-27951787-G-A. GRCh37 (hg19) VCF-style: chr15-28196933-G-A.
Other names: c.1876C>T, p.Leu626Phe (NM_001300984.2); short protein forms L626F, L650F.
Identifiers: ClinVar variation 2978571 (VCV002978571.3), dbSNP rs1480043322, ClinGen allele CA391364238.

ClinVar aggregate classification (germline): Uncertain significance (1 of 4 stars; one submission).

Allele frequency attached by ClinVar (database versions not stated): gnomAD exomes 0.00003.
gnomAD v4.1: 42 of 1,600,134 alleles (0.0026%); highest among the groups gnomAD compares: Non-Finnish European, 0.0035%; no homozygotes.

Submission:

Labcorp Genetics (formerly Invitae), Labcorp
Classification: Uncertain significance. Last evaluated: 2024-05-29. Review status: criteria provided, single submitter. Criteria: Invitae Variant Classification Sherloc (09022015). Collection method: clinical testing. Allele origin: germline.
Comment: This sequence change replaces leucine, which is neutral and non-polar, with phenylalanine, which is neutral and non-polar, at codon 650 of the OCA2 protein (p.Leu650Phe). This variant is present in population databases (no rsID available, gnomAD 0.004%). This variant has not been reported in the literature in individuals affected with OCA2-related conditions. Advanced modeling of protein sequence and biophysical properties (such as structural, functional, and spatial information, amino acid conservation, physicochemical variation, residue mobility, and thermodynamic stability) performed at Invitae indicates that this missense variant is not expected to disrupt OCA2 protein function with a negative predictive value of 80%. In summary, the available evidence is currently insufficient to determine the role of this variant in disease. Therefore, it has been classified as a Variant of Uncertain Significance.